The following is an entry in ClinVar:

ClinVar aggregate classification (germline): Uncertain significance (1 of 4 stars; one submission).

Conditions:
Evans syndrome, immunodeficiency, and premature immunosenescence associated with tripeptidyl-peptidase II deficiency. Identifiers: MedGen CN231723. Disease mechanism: loss of function.

Allele frequency attached by ClinVar (database versions not stated): TOPMed below 0.00001; gnomAD 0.00001; gnomAD exomes 0.00001 and 0.00002; ExAC 0.00002; ESP Exome Variant Server 0.00008.
gnomAD v4.1: 14 of 1,612,756 alleles (0.00087%); highest among the groups gnomAD compares: South Asian, 0.0044%; no homozygotes.

Submission:

Labcorp Genetics (formerly Invitae), Labcorp
Classification: Uncertain significance for Evans syndrome, immunodeficiency, and premature immunosenescence associated with tripeptidyl-peptidase II deficiency. Last evaluated: 2021-11-02. Review status: criteria provided, single submitter. Criteria: Invitae Variant Classification Sherloc (09022015). Collection method: clinical testing. Allele origin: germline.
Comment: This sequence change replaces proline, which is neutral and non-polar, with leucine, which is neutral and non-polar, at codon 630 of the TPP2 protein (p.Pro630Leu). This variant is present in population databases (rs145695798, gnomAD 0.01%). In summary, the available evidence is currently insufficient to determine the role of this variant in disease. Therefore, it has been classified as a Variant of Uncertain Significance. Algorithms developed to predict the effect of missense changes on protein structure and function (SIFT, PolyPhen-2, Align-GVGD) all suggest that this variant is likely to be disruptive. This variant has not been reported in the literature in individuals affected with TPP2-related conditions.

NM_001330588.2(TPP2):c.1889C>T (p.Pro630Leu)

Gene: TPP2 (tripeptidyl peptidase 2; plus strand). Cytogenetic location: 13q33.1.
Variant type: single nucleotide variant.
Coding change: c.1889C>T on transcript NM_001330588.2 (MANE Select); coding-DNA position 1889, C replaced by T.
Protein change: p.Pro630Leu; replaces proline 630 with leucine.
Molecular consequence: missense variant. On other transcripts: non-coding transcript variant (1).
Genome position (GRCh38, 1-based): chr13:102,638,291, C>T. VCF-style: chr13-102638291-C-T. GRCh37 (hg19) VCF-style: chr13-103290641-C-T.
Other names: c.1889C>T, p.Pro630Leu (NM_003291.4, NM_001367947.1); short protein forms P630L.
Identifiers: ClinVar variation 1364452 (VCV001364452.6), dbSNP rs145695798, ClinGen allele CA7037860.